The following is an entry in ClinVar:

NM_152564.5(VPS13B):c.9776T>C (p.Ile3259Thr)

Gene: VPS13B (vacuolar protein sorting 13 homolog B; plus strand). Cytogenetic location: 8q22.2.
Variant type: single nucleotide variant.
Coding change: c.9776T>C on transcript NM_152564.5 (MANE Select); coding-DNA position 9776, T replaced by C.
Protein change: p.Ile3259Thr; replaces isoleucine 3259 with threonine.
Molecular consequence: missense variant.
Genome position (GRCh38, 1-based): chr8:99,835,572, T>C. VCF-style: chr8-99835572-T-C. GRCh37 (hg19) VCF-style: chr8-100847800-T-C.
Other names: c.9851T>C, p.Ile3284Thr (NM_017890.5); short protein forms I3259T, I3284T.
Identifiers: ClinVar variation 1024904 (VCV001024904.6), dbSNP rs1815347853, ClinGen allele CA371783736.
Genomic context (GRCh38, chr8:99,835,572, plus strand): 5'-CTGCATATGCCTTTTTTAAAATTTCAGATATTCCAAAGTTTGAGGTTTATTGCAAAAAAA[T>C]TCCCTCCGAGTGCTCAATTCATCATGAGCTGTATCATCAGATTTCCAGTTATCCGGACTG-3'
Protein context (NP_689777.3, residues 3249-3269): IPKFEVYCKK[Ile3259Thr]PSECSIHHEL

ClinVar aggregate classification (germline): Uncertain significance (1 of 4 stars; one submission).

Conditions:
Cohen syndrome (COH1). Also called: Cutis verticis gyrata, retinitis pigmentosa, and sensorineural deafness; PEPPER SYNDROME. Identifiers: Orphanet 193, MedGen C0265223, MONDO:0008999, OMIM 216550.

Submission:

Labcorp Genetics (formerly Invitae), Labcorp
Classification: Uncertain significance for Cohen syndrome. Last evaluated: 2024-02-17. Review status: criteria provided, single submitter. Criteria: Invitae Variant Classification Sherloc (09022015). Collection method: clinical testing. Allele origin: germline.
Comment: This sequence change replaces isoleucine, which is neutral and non-polar, with threonine, which is neutral and polar, at codon 3284 of the VPS13B protein (p.Ile3284Thr). This variant is not present in population databases (gnomAD no frequency). This variant has not been reported in the literature in individuals affected with VPS13B-related conditions. ClinVar contains an entry for this variant (Variation ID: 1024904). Advanced modeling of protein sequence and biophysical properties (such as structural, functional, and spatial information, amino acid conservation, physicochemical variation, residue mobility, and thermodynamic stability) has been performed at Invitae for this missense variant, however the output from this modeling did not meet the statistical confidence thresholds required to predict the impact of this variant on VPS13B protein function. In summary, the available evidence is currently insufficient to determine the role of this variant in disease. Therefore, it has been classified as a Variant of Uncertain Significance.